The following is an entry in ClinVar:

NM_138576.4(BCL11B):c.336G>A (p.Pro112=)

Gene: BCL11B (BCL11 transcription factor B; minus strand). Cytogenetic location: 14q32.2.
Variant type: single nucleotide variant.
Coding change: c.336G>A on transcript NM_138576.4 (MANE Select); coding-DNA position 336, G replaced by A.
Protein change: p.Pro112=; no amino-acid change (proline 112 retained).
Molecular consequence: synonymous variant.
Genome position (GRCh38, 1-based): chr14:99,257,562, C>T on the plus strand (G>A on the coding strand, the complement: BCL11B is on the minus strand). VCF-style: chr14-99257562-C-T. GRCh37 (hg19) VCF-style: chr14-99723899-C-T.
Other names: c.333G>A, p.Pro111= (NM_001282237.2, NM_001282238.2); c.336G>A, p.Pro112= (NM_022898.3).
Identifiers: ClinVar variation 1535600 (VCV001535600.32), dbSNP rs149715351, ClinGen allele CA7339913.

ClinVar aggregate classification (germline): Likely benign. Review status: criteria provided, multiple submitters, no conflicts (2 of 4 stars). 3 submissions from 3 submitters: Likely benign (3). Last evaluated 2024-08-06.

Allele frequency attached by ClinVar (database versions not stated): gnomAD exomes 0.00006; ExAC 0.00007; gnomAD 0.00007 and 0.00010; TOPMed 0.00008; ESP Exome Variant Server 0.00038.
gnomAD v4.1: 131 of 1,613,936 alleles (0.0081%); highest among the groups gnomAD compares: Middle Eastern, 0.016%; no homozygotes.

Submissions (3):

Blueprint Genetics
Classification: Likely benign. Last evaluated: 2024-08-06. Review status: criteria provided, single submitter. Criteria: ACMG Guidelines, 2015. Collection method: clinical testing. Allele origin: germline.

Labcorp Genetics (formerly Invitae), Labcorp
Classification: Likely benign. Last evaluated: 2024-07-30. Review status: criteria provided, single submitter. Criteria: Invitae Variant Classification Sherloc (09022015). Collection method: clinical testing. Allele origin: germline.

CeGaT Center for Human Genetics Tuebingen
Classification: Likely benign. Last evaluated: 2022-07-01. Review status: criteria provided, single submitter. Criteria: CeGaT Center For Human Genetics Tuebingen Variant Classification Criteria Version 2. Collection method: clinical testing. Allele origin: germline. Affected: yes. Observed: 1 variant allele.
Comment: BCL11B: BP4, BP7